The following is an entry in ClinVar:

ClinVar aggregate classification (germline): Uncertain significance. Review status: criteria provided, multiple submitters, no conflicts (2 of 4 stars). 2 submissions from 2 submitters: Uncertain significance (2). Last evaluated 2024-05-20.

Conditions:
Inborn genetic diseases. Identifiers: MedGen C0950123, MeSH D030342.
Holoprosencephaly 2 (HPE2). Identifiers: Orphanet 2162, MedGen C1834877, MONDO:0007999, OMIM 157170.

Allele frequency attached by ClinVar (database versions not stated): gnomAD 0.00001; ExAC 0.00002; TOPMed 0.00003.

Submissions (2):

Ambry Genetics
Classification: Uncertain significance for Inborn genetic diseases. Last evaluated: 2024-05-20. Review status: criteria provided, single submitter. Criteria: Ambry Variant Classification Scheme 2023. Collection method: clinical testing. Allele origin: germline.

Labcorp Genetics (formerly Invitae), Labcorp
Classification: Uncertain significance for Holoprosencephaly 2. Last evaluated: 2022-06-18. Review status: criteria provided, single submitter. Criteria: Invitae Variant Classification Sherloc (09022015). Collection method: clinical testing. Allele origin: germline.
Comment: In summary, the available evidence is currently insufficient to determine the role of this variant in disease. Therefore, it has been classified as a Variant of Uncertain Significance. Algorithms developed to predict the effect of missense changes on protein structure and function output the following: SIFT: "Deleterious"; PolyPhen-2: "Benign"; Align-GVGD: "Class C0". The serine amino acid residue is found in multiple mammalian species, which suggests that this missense change does not adversely affect protein function. This variant has not been reported in the literature in individuals affected with SIX3-related conditions. This variant is present in population databases (rs778060809, gnomAD 0.01%). This sequence change replaces glycine, which is neutral and non-polar, with serine, which is neutral and polar, at codon 66 of the SIX3 protein (p.Gly66Ser).

NM_005413.4(SIX3):c.196G>A (p.Gly66Ser)

Gene: SIX3 (SIX homeobox 3; plus strand). Cytogenetic location: 2p21.
Variant type: single nucleotide variant.
Coding change: c.196G>A on transcript NM_005413.4 (MANE Select); coding-DNA position 196, G replaced by A.
Protein change: p.Gly66Ser; replaces glycine 66 with serine.
Molecular consequence: missense variant.
Genome position (GRCh38, 1-based): chr2:44,942,300, G>A. VCF-style: chr2-44942300-G-A. GRCh37 (hg19) VCF-style: chr2-45169439-G-A.
Other names: c.196G>A (NM_005413.3); short protein forms G66S.
Identifiers: ClinVar variation 1902608 (VCV001902608.6), dbSNP rs778060809, ClinGen allele CA1642285.